The following is an entry in ClinVar:

NM_000292.3(PHKA2):c.1494G>A (p.Pro498=)

Gene: PHKA2 (phosphorylase kinase regulatory subunit alpha 2; minus strand). Cytogenetic location: Xp22.13.
Variant type: single nucleotide variant.
Coding change: c.1494G>A on transcript NM_000292.3 (MANE Select); coding-DNA position 1494, G replaced by A.
Protein change: p.Pro498=; no amino-acid change (proline 498 retained).
Molecular consequence: synonymous variant.
Genome position (GRCh38, 1-based): chrX:18,925,743, C>T on the plus strand (G>A on the coding strand, the complement: PHKA2 is on the minus strand). VCF-style: chrX-18925743-C-T. GRCh37 (hg19) VCF-style: chrX-18943861-C-T.
Other names: c.1494G>A, p.Pro498= (NM_001440800.1, NM_001440801.1, NM_001440805.1); c.1395G>A, p.Pro465= (NM_001440802.1, NM_001440803.1, NM_001440804.1).
Identifiers: ClinVar variation 5039138 (VCV005039138.1).

ClinVar aggregate classification (germline): Likely benign (1 of 4 stars; one submission).

gnomAD v4.1: 9 of 1,189,815 alleles (0.00076%); highest among the groups gnomAD compares: South Asian, 0.0071%; no homozygotes.

Submission:

CeGaT Center for Human Genetics Tuebingen
Classification: Likely benign. Last evaluated: 2026-07-01. Review status: criteria provided, single submitter. Criteria: CeGaT Center For Human Genetics Tuebingen Variant Classification Criteria Version 2. Collection method: clinical testing. Allele origin: germline. Affected: yes. Observed: 1 variant allele.
Comment: PHKA2: BP4, BP7, BS2